The following is an entry in ClinVar:

NC_000023.10:g.(?_102831398)_(103220942_?)dup

Genes: RAB9B (RAB9B, member RAS oncogene family; minus strand), PLP1 (proteolipid protein 1; plus strand), TCEAL1 (transcription elongation factor A like 1; plus strand), TMEM31 (transmembrane protein 31; plus strand), TCEAL3 (transcription elongation factor A like 3; plus strand) and 3 more. Cytogenetic location: Xq22.2.
Variant type: Duplication.
Identifiers: ClinVar variation 832054 (VCV000832054.1).

ClinVar aggregate classification (germline): Pathogenic (1 of 4 stars; one submission).

Conditions:
Hereditary spastic paraplegia 2 (SPG2). Also called: Spastic Paraplegia 2 (SPG2); SPASTIC PARAPLEGIA 2, X-LINKED. Identifiers: Orphanet 99015, MedGen C0751604, MONDO:0010733, OMIM 312920.

Submission:

Labcorp Genetics (formerly Invitae), Labcorp
Classification: Pathogenic for Spastic paraplegia 2. Last evaluated: 2019-04-09. Review status: criteria provided, single submitter. Criteria: Invitae Variant Classification Sherloc (09022015). Collection method: clinical testing. Allele origin: germline.
Comment: A gross duplication of the genomic region encompassing the full coding sequence of the PLP1 gene has been identified. The boundaries of this event are unknown as the duplication extends beyond the assayed region for this gene and therefore may encompass additional genes. As the precise location of this duplication is unknown, it may be in tandem or it may be located elsewhere in the genome. Whole gene duplications of PLP1 have been reported in many individuals affected with Pelizaeus-Merzbacher disease (PMID: 9634530, 10417279, 16380909, 18160035, 19328639). For these reasons, this variant has been classified as Pathogenic.

Literature cited by the submitters: PubMed 16380909; PubMed 9634530; PubMed 10417279; PubMed 18160035; PubMed 19328639.